The following is an entry in ClinVar:

ClinVar aggregate classification (germline): Uncertain significance (1 of 4 stars; one submission).

Conditions:
Febrile seizures, familial, 11 (FEB11). Also called: CONVULSIONS, FAMILIAL FEBRILE, 11. Identifiers: MedGen C3280734, MONDO:0024566, OMIM 614418.

Allele frequency attached by ClinVar (database versions not stated): gnomAD exomes below 0.00001; TOPMed 0.00001.
gnomAD v4.1: 1 of 1,587,350 alleles (0.000063%); highest among the groups gnomAD compares: Non-Finnish European, 0.000087%; no homozygotes.

Submission:

Labcorp Genetics (formerly Invitae), Labcorp
Classification: Uncertain significance for Febrile seizures, familial, 11. Last evaluated: 2020-01-28. Review status: criteria provided, single submitter. Criteria: Invitae Variant Classification Sherloc (09022015). Collection method: clinical testing. Allele origin: germline.
Comment: In summary, the available evidence is currently insufficient to determine the role of this variant in disease. Therefore, it has been classified as a Variant of Uncertain Significance. Nucleotide substitutions within the consensus splice site are a relatively common cause of aberrant splicing (PMID: 17576681, 9536098). Algorithms developed to predict the effect of sequence changes on RNA splicing suggest that this variant may disrupt the consensus splice site, but this prediction has not been confirmed by published transcriptional studies. This variant has not been reported in the literature in individuals with CPA6-related disease. This variant is not present in population databases (ExAC no frequency). This sequence change falls in intron 6 of the CPA6 gene. It does not directly change the encoded amino acid sequence of the CPA6 protein, but it affects a nucleotide within the consensus splice site of the intron.

Literature cited by the submitters: PubMed 17576681; PubMed 9536098.

NM_020361.5(CPA6):c.636+5G>A

Gene: CPA6 (carboxypeptidase A6; minus strand). Cytogenetic location: 8q13.2.
Variant type: single nucleotide variant.
Coding change: c.636+5G>A on transcript NM_020361.5 (MANE Select); 5 bases into the intron after coding-DNA position 636, G replaced by A.
Molecular consequence: intron variant.
Genome position (GRCh38, 1-based): chr8:67,506,782, C>T on the plus strand (G>A on the coding strand, the complement: CPA6 is on the minus strand). VCF-style: chr8-67506782-C-T. GRCh37 (hg19) VCF-style: chr8-68419017-C-T.
Identifiers: ClinVar variation 579363 (VCV000579363.7), dbSNP rs1166618180, ClinGen allele CA582595669.